The following is an entry in ClinVar:

ClinVar aggregate classification (germline): Conflicting classifications of pathogenicity. Review status: criteria provided, conflicting classifications (1 of 4 stars). 4 submissions from 4 submitters: Uncertain significance (3); Benign (1). Last evaluated 2025-12-11.

Conditions:
Inborn genetic diseases. Identifiers: MedGen C0950123, MeSH D030342.
Werner syndrome (WRN). Identifiers: Orphanet 902, MedGen C0043119, MONDO:0010196, OMIM 277700.
Ovarian cancer. Also called: OVARIAN CANCER, SOMATIC. Identifiers: Orphanet 213500, MedGen C1140680, MONDO:0008170, OMIM 167000.

Allele frequency attached by ClinVar (database versions not stated): gnomAD exomes 0.00004 and 0.00011; gnomAD 0.00005 and 0.00006; ExAC 0.00008; TOPMed 0.00009; 1000 Genomes Project 0.00060; 1000 Genomes Project 30x 0.00062.
gnomAD v4.1: 77 of 1,614,088 alleles (0.0048%); highest among the groups gnomAD compares: East Asian, 0.049%; no homozygotes.

Submissions (4):

Ambry Genetics
Classification: Uncertain significance for Inborn genetic diseases. Last evaluated: 2025-12-11. Review status: criteria provided, single submitter. Criteria: Ambry Variant Classification Scheme 2023. Collection method: clinical testing. Allele origin: germline.

Labcorp Genetics (formerly Invitae), Labcorp
Classification: Uncertain significance for Werner syndrome. Last evaluated: 2025-07-27. Review status: criteria provided, single submitter. Criteria: Invitae Variant Classification Sherloc (09022015). Collection method: clinical testing. Allele origin: germline.
Comment: This sequence change replaces isoleucine, which is neutral and non-polar, with valine, which is neutral and non-polar, at codon 710 of the WRN protein (p.Ile710Val). This variant is present in population databases (rs180814740, gnomAD 0.08%). This variant has not been reported in the literature in individuals affected with WRN-related conditions. ClinVar contains an entry for this variant (Variation ID: 362805). An algorithm developed to predict the effect of missense changes on protein structure and function outputs the following: PolyPhen-2: "Benign". The valine amino acid residue is found in multiple mammalian species, which suggests that this missense change does not adversely affect protein function. In summary, the available evidence is currently insufficient to determine the role of this variant in disease. Therefore, it has been classified as a Variant of Uncertain Significance.

Laboratory of Molecular Epidemiology of Birth Defects, West China Second University Hospital, Sichuan University
Classification: Benign for Ovarian cancer. Last evaluated: 2022-01-01. Review status: criteria provided, single submitter. Criteria: ACMG Guidelines, 2015. Collection method: clinical testing. Allele origin: germline. Affected: yes.

Illumina Laboratory Services, Illumina
Classification: Uncertain significance for Werner syndrome. Last evaluated: 2018-01-13. Review status: criteria provided, single submitter. Criteria: ICSL Variant Classification Criteria 13 December 2019. Collection method: clinical testing. Allele origin: germline.

NM_000553.6(WRN):c.2128A>G (p.Ile710Val)

Gene: WRN (WRN RecQ like helicase; plus strand). Cytogenetic location: 8p12.
Variant type: single nucleotide variant.
Coding change: c.2128A>G on transcript NM_000553.6 (MANE Select); coding-DNA position 2128, A replaced by G.
Protein change: p.Ile710Val; replaces isoleucine 710 with valine.
Molecular consequence: missense variant.
Genome position (GRCh38, 1-based): chr8:31,111,654, A>G. VCF-style: chr8-31111654-A-G. GRCh37 (hg19) VCF-style: chr8-30969170-A-G.
Other names: short protein forms I710V.
Identifiers: ClinVar variation 362805 (VCV000362805.15), dbSNP rs180814740, ClinGen allele CA4704653.